The following is an entry in ClinVar:

NM_001625.4(AK2):c.462G>T (p.Glu154Asp)

Gene: AK2 (adenylate kinase 2; minus strand). Cytogenetic location: 1p35.1.
Variant type: single nucleotide variant.
Coding change: c.462G>T on transcript NM_001625.4 (MANE Select); coding-DNA position 462, G replaced by T.
Protein change: p.Glu154Asp; replaces glutamic acid 154 with aspartic acid.
Molecular consequence: missense variant. On other transcripts: nonsense (1), non-coding transcript variant (1).
Genome position (GRCh38, 1-based): chr1:33,014,558, C>A on the plus strand (G>T on the coding strand, the complement: AK2 is on the minus strand). VCF-style: chr1-33014558-C-A. GRCh37 (hg19) VCF-style: chr1-33480159-C-A.
Other names: c.438G>T, p.Glu146Asp (NM_001199199.3); c.318G>T, p.Glu106Asp (NM_001319139.3, NM_001319140.2); c.462G>T, p.Glu154Asp (NM_001319141.3, NM_013411.5); c.336G>T, p.Glu112Asp (NM_001319142.3); c.367G>T, p.Gly123Ter (NM_001319143.2); short protein forms E106D, E146D, E112D, E154D, G123*.
Identifiers: ClinVar variation 659463 (VCV000659463.8), dbSNP rs1569584622, ClinGen allele CA339700661.

ClinVar aggregate classification (germline): Uncertain significance (1 of 4 stars; one submission).

Conditions:
Reticular dysgenesis. Also called: ALEUKOCYTOSIS; CONGENITAL ALEUKIA; HEMATOPOIETIC HYPOPLASIA, GENERALIZED; RETICULAR DYSGENESIA; SEVERE COMBINED IMMUNODEFICIENCY WITH LEUKOPENIA; DeVaal disease. Identifiers: Orphanet 33355, MedGen C0272167, MONDO:0009973, OMIM 267500.

Submission:

Labcorp Genetics (formerly Invitae), Labcorp
Classification: Uncertain significance for Reticular dysgenesis. Last evaluated: 2018-08-22. Review status: criteria provided, single submitter. Criteria: Invitae Variant Classification Sherloc (09022015). Collection method: clinical testing. Allele origin: germline.
Comment: This variant is not present in population databases (ExAC no frequency). This variant has not been reported in the literature in individuals with AK2-related disease. Algorithms developed to predict the effect of missense changes on protein structure and function (SIFT, PolyPhen-2, Align-GVGD) all suggest that this variant is likely to be tolerated, but these predictions have not been confirmed by published functional studies and their clinical significance is uncertain. In summary, the available evidence is currently insufficient to determine the role of this variant in disease. Therefore, it has been classified as a Variant of Uncertain Significance. This sequence change replaces glutamic acid with aspartic acid at codon 154 of the AK2 protein (p.Glu154Asp). The glutamic acid residue is highly conserved and there is a small physicochemical difference between glutamic acid and aspartic acid.